The following is an entry in ClinVar:

ClinVar aggregate classification (germline): Uncertain significance. Review status: criteria provided, single submitter (1 of 4 stars). 2 submissions from 2 submitters: Uncertain significance (1). 1 of the submissions does not count toward it. Last evaluated 2025-06-24.

Conditions:
PLXNA1-related disorder. Also called: PLXNA1-related condition.

gnomAD v4.1: 5 of 1,612,996 alleles (0.00031%); highest among the groups gnomAD compares: African/African-American, 0.0013%; no homozygotes.

Submissions (2):

Ambry Genetics
Classification: Uncertain significance. Last evaluated: 2025-06-24. Review status: criteria provided, single submitter. Criteria: Ambry Variant Classification Scheme 2023. Collection method: clinical testing. Allele origin: germline.

PreventionGenetics, part of Exact Sciences
Classification: Uncertain significance for PLXNA1-related condition. Last evaluated: 2024-07-01. Review status: no assertion criteria provided. Collection method: clinical testing. Allele origin: germline. Not counted in ClinVar's aggregate classification.
Comment: The PLXNA1 c.512G>T variant is predicted to result in the amino acid substitution p.Gly171Val. To our knowledge, this variant has not been reported in the literature or in gnomAD, indicating this variant is rare. At this time, the clinical significance of this variant is uncertain due to the absence of conclusive functional and genetic evidence.

NM_032242.4(PLXNA1):c.512G>T (p.Gly171Val)

Gene: PLXNA1 (plexin A1; plus strand). Cytogenetic location: 3q21.3.
Variant type: single nucleotide variant.
Coding change: c.512G>T on transcript NM_032242.4 (MANE Select); coding-DNA position 512, G replaced by T.
Protein change: p.Gly171Val; replaces glycine 171 with valine.
Molecular consequence: missense variant.
Genome position (GRCh38, 1-based): chr3:126,989,105, G>T. VCF-style: chr3-126989105-G-T. GRCh37 (hg19) VCF-style: chr3-126707948-G-T.
Other names: short protein forms G171V.
Identifiers: ClinVar variation 3356043 (VCV003356043.2).